The following is an entry in ClinVar:

NM_001684.5(ATP2B4):c.415C>T (p.Pro139Ser)

Gene: ATP2B4 (ATPase plasma membrane Ca2+ transporting 4; plus strand). Cytogenetic location: 1q32.1.
Variant type: single nucleotide variant.
Coding change: c.415C>T on transcript NM_001684.5 (MANE Select); coding-DNA position 415, C replaced by T.
Protein change: p.Pro139Ser; replaces proline 139 with serine.
Molecular consequence: missense variant.
Genome position (GRCh38, 1-based): chr1:203,699,483, C>T. VCF-style: chr1-203699483-C-T. GRCh37 (hg19) VCF-style: chr1-203668611-C-T.
Other names: c.415C>T (NM_001684.4); c.415C>T, p.Pro139Ser (NM_001001396.3, NM_001365783.2, NM_001365784.2); short protein forms P139S.
Identifiers: ClinVar variation 1393853 (VCV001393853.9), dbSNP rs758844046, ClinGen allele CA1341379.

ClinVar aggregate classification (germline): Uncertain significance. Review status: criteria provided, multiple submitters, no conflicts (2 of 4 stars). 2 submissions from 2 submitters: Uncertain significance (2). Last evaluated 2025-11-25.

Allele frequency attached by ClinVar (database versions not stated): gnomAD exomes 0.00001 and 0.00005; TOPMed 0.00003; ExAC 0.00005.
gnomAD v4.1: 14 of 1,614,110 alleles (0.00087%); highest among the groups gnomAD compares: Admixed American, 0.023%; no homozygotes.

Submissions (2):

Labcorp Genetics (formerly Invitae), Labcorp
Classification: Uncertain significance. Last evaluated: 2025-11-25. Review status: criteria provided, single submitter. Criteria: Invitae Variant Classification Sherloc (09022015). Collection method: clinical testing. Allele origin: germline.
Comment: This sequence change replaces proline, which is neutral and non-polar, with serine, which is neutral and polar, at codon 139 of the ATP2B4 protein (p.Pro139Ser). This variant is present in population databases (rs758844046, gnomAD 0.04%). This variant has not been reported in the literature in individuals affected with ATP2B4-related conditions. ClinVar contains an entry for this variant (Variation ID: 1393853). An algorithm developed to predict the effect of missense changes on protein structure and function outputs the following: PolyPhen-2: "Benign". The serine amino acid residue is found in multiple mammalian species, which suggests that this missense change does not adversely affect protein function. In summary, the available evidence is currently insufficient to determine the role of this variant in disease. Therefore, it has been classified as a Variant of Uncertain Significance.

Ambry Genetics
Classification: Uncertain significance. Last evaluated: 2023-01-26. Review status: criteria provided, single submitter. Criteria: Ambry Variant Classification Scheme 2023. Collection method: clinical testing. Allele origin: germline.